The following is an entry in ClinVar:

NM_001134363.3(RBM20):c.2086A>G (p.Asn696Asp)

Gene: RBM20 (RNA binding motif protein 20; plus strand). Cytogenetic location: 10q25.2.
Variant type: single nucleotide variant.
Coding change: c.2086A>G on transcript NM_001134363.3 (MANE Select); coding-DNA position 2086, A replaced by G.
Protein change: p.Asn696Asp; replaces asparagine 696 with aspartic acid.
Molecular consequence: missense variant.
Genome position (GRCh38, 1-based): chr10:110,812,483, A>G. VCF-style: chr10-110812483-A-G. GRCh37 (hg19) VCF-style: chr10-112572241-A-G.
Other names: short protein forms N696D.
Identifiers: ClinVar variation 1054068 (VCV001054068.9), dbSNP rs1338107542, ClinGen allele CA378371510.
Genomic context (GRCh38, chr10:110,812,483, plus strand): 5'-TGGGAGCACTCTCCCTATGCCAGGAGGGAGGAAGAGCGAGACCCGGCTCCCTGGAGGGAC[A>G]ACGGAGATGACAAGAGGGACAGGATGGACCCCTGGGCACATGATCGCAAACACCACCCCC-3'
Protein context (NP_001127835.2, residues 686-706): EERDPAPWRD[Asn696Asp]GDDKRDRMDP

ClinVar aggregate classification (germline): Uncertain significance (1 of 4 stars; one submission).

Conditions:
Dilated cardiomyopathy 1DD (CMD1DD). Identifiers: Orphanet 154, MedGen C2750995, MONDO:0013168, OMIM 613172.

Allele frequency attached by ClinVar (database versions not stated): TOPMed 0.00001.

Submission:

Labcorp Genetics (formerly Invitae), Labcorp
Classification: Uncertain significance for Dilated cardiomyopathy 1DD. Last evaluated: 2025-11-22. Review status: criteria provided, single submitter. Criteria: Invitae Variant Classification Sherloc (09022015). Collection method: clinical testing. Allele origin: germline.
Comment: This sequence change replaces asparagine, which is neutral and polar, with aspartic acid, which is acidic and polar, at codon 696 of the RBM20 protein (p.Asn696Asp). This variant is not present in population databases (gnomAD no frequency). This missense change has been observed in individual(s) with clinical features of RBM20-related conditions (PMID: 29247119). ClinVar contains an entry for this variant (Variation ID: 1054068). Invitae Evidence Modeling of protein sequence and biophysical properties (such as structural, functional, and spatial information, amino acid conservation, physicochemical variation, residue mobility, and thermodynamic stability) indicates that this missense variant is not expected to disrupt RBM20 protein function with a negative predictive value of 95%. In summary, the available evidence is currently insufficient to determine the role of this variant in disease. Therefore, it has been classified as a Variant of Uncertain Significance.

Literature cited by the submitters: PubMed 29247119.